The following is an entry in ClinVar:

ClinVar aggregate classification (germline): Uncertain significance. Review status: criteria provided, multiple submitters, no conflicts (2 of 4 stars). 5 submissions from 5 submitters: Uncertain significance (5). Last evaluated 2025-04-25.

Conditions:
Cardiovascular phenotype. Identifiers: MedGen CN230736.
Dilated cardiomyopathy 1CC (CMD1CC). Identifiers: Orphanet 154, MedGen C2751084, MONDO:0013147, OMIM 613122.
Hypertrophic cardiomyopathy 20. Identifiers: MedGen C3151267, MONDO:0013477, OMIM 613876.
Cardiomyopathy (CMYO). Also called: Cardiomyopathies. Identifiers: Orphanet 167848, MedGen C0878544, MONDO:0004994, HP:0001638. Inheritance: Various modes of inheritance.

Allele frequency attached by ClinVar (database versions not stated): gnomAD 0.00001; TOPMed 0.00002.
gnomAD v4.1: 10 of 1,613,452 alleles (0.00062%); highest among the groups gnomAD compares: African/African-American, 0.0054%; no homozygotes.

Submissions (5):

Revvity Omics, Revvity
Classification: Uncertain significance. Last evaluated: 2025-04-25. Review status: criteria provided, single submitter. Criteria: ACMG Guidelines, 2015. Collection method: clinical testing. Allele origin: germline.

Fulgent Genetics
Classification: Uncertain significance for Dilated cardiomyopathy 1CC; Hypertrophic cardiomyopathy 20. Last evaluated: 2021-09-02. Review status: criteria provided, single submitter. Criteria: ACMG Guidelines, 2015. Collection method: clinical testing. Allele origin: unknown.

CHEO Genetics Diagnostic Laboratory, Children's Hospital of Eastern Ontario
Classification: Uncertain significance for Cardiomyopathy. Last evaluated: 2020-12-10. Review status: criteria provided, single submitter. Criteria: ACMG Guidelines, 2015. Collection method: clinical testing. Allele origin: germline.

Ambry Genetics
Classification: Uncertain significance for Cardiovascular phenotype. Last evaluated: 2020-01-02. Review status: criteria provided, single submitter. Criteria: Ambry Variant Classification Scheme 2023. Collection method: clinical testing. Allele origin: germline.
Comment: The p.R306C variant (also known as c.916C>T), located in coding exon 8 of the NEXN gene, results from a C to T substitution at nucleotide position 916. The arginine at codon 306 is replaced by cysteine, an amino acid with highly dissimilar properties. This amino acid position is highly conserved in available vertebrate species. In addition, the in silico prediction for this alteration is inconclusive. Since supporting evidence is limited at this time, the clinical significance of this alteration remains unclear.

GeneDx
Classification: Uncertain significance. Last evaluated: 2019-10-25. Review status: criteria provided, single submitter. Criteria: GeneDx Variant Classification Process June 2021. Collection method: clinical testing. Allele origin: germline. Affected: yes.
Comment: Has not been previously published as pathogenic or benign to our knowledge; Not observed at a significant frequency in large population cohorts (Lek et al., 2016); In silico analysis, which includes protein predictors and evolutionary conservation, supports a deleterious effect

Literature cited by the submitters: PubMed 27486136 (cited by Ambry Genetics).

NM_144573.4(NEXN):c.916C>T (p.Arg306Cys)

Gene: NEXN (nexilin F-actin binding protein; plus strand). Cytogenetic location: 1p31.1.
Variant type: single nucleotide variant.
Coding change: c.916C>T on transcript NM_144573.4 (MANE Select); coding-DNA position 916, C replaced by T.
Protein change: p.Arg306Cys; replaces arginine 306 with cysteine.
Molecular consequence: missense variant.
Genome position (GRCh38, 1-based): chr1:77,929,367, C>T. VCF-style: chr1-77929367-C-T. GRCh37 (hg19) VCF-style: chr1-78395052-C-T.
Other names: c.724C>T, p.Arg242Cys (NM_001172309.2); short protein forms R242C, R306C.
Identifiers: ClinVar variation 1309771 (VCV001309771.9), dbSNP rs765051104, ClinGen allele CA918780.